The following is an entry in ClinVar:

ClinVar aggregate classification (germline): Uncertain significance. Review status: criteria provided, multiple submitters, no conflicts (2 of 4 stars). 2 submissions from 2 submitters: Uncertain significance (2). Last evaluated 2024-04-25.

Conditions:
Charcot-Marie-Tooth disease dominant intermediate B (CMTDIB). Also called: Charcot-Marie-Tooth disease dominant intermediate 1; CMT DI1; Charcot-Marie-Tooth disease dominant intermediate I; CHARCOT-MARIE-TOOTH NEUROPATHY, DOMINANT INTERMEDIATE B. Identifiers: Orphanet 100044, Orphanet 228179, MedGen C1847902, MONDO:0011674, OMIM 606482.

Allele frequency attached by ClinVar (database versions not stated): gnomAD exomes 0.00001 and 0.00002; TOPMed 0.00002; gnomAD 0.00003 and 0.00004; ESP Exome Variant Server 0.00008.
gnomAD v4.1: 37 of 1,614,068 alleles (0.0023%); highest among the groups gnomAD compares: African/African-American, 0.0067%; no homozygotes.

Submissions (2):

Labcorp Genetics (formerly Invitae), Labcorp
Classification: Uncertain significance for Charcot-Marie-Tooth disease dominant intermediate B. Last evaluated: 2024-04-25. Review status: criteria provided, single submitter. Criteria: Invitae Variant Classification Sherloc (09022015). Collection method: clinical testing. Allele origin: germline.
Comment: This sequence change replaces arginine, which is basic and polar, with glutamine, which is neutral and polar, at codon 458 of the DNM2 protein (p.Arg458Gln). This variant is present in population databases (rs375653221, gnomAD 0.002%). This missense change has been observed in individual(s) with muscle weakness (PMID: 32528171). ClinVar contains an entry for this variant (Variation ID: 834460). Advanced modeling of protein sequence and biophysical properties (such as structural, functional, and spatial information, amino acid conservation, physicochemical variation, residue mobility, and thermodynamic stability) has been performed at Invitae for this missense variant, however the output from this modeling did not meet the statistical confidence thresholds required to predict the impact of this variant on DNM2 protein function. In summary, the available evidence is currently insufficient to determine the role of this variant in disease. Therefore, it has been classified as a Variant of Uncertain Significance.

GeneDx
Classification: Uncertain significance. Last evaluated: 2021-04-02. Review status: criteria provided, single submitter. Criteria: GeneDx Variant Classification Process June 2021. Collection method: clinical testing. Allele origin: germline. Affected: yes.
Comment: Missense variants in this gene are often considered pathogenic (Stenson et al., 2014); In silico analysis supports that this missense variant has a deleterious effect on protein structure/function; Has not been previously published as pathogenic or benign to our knowledge; This variant is associated with the following publications: (PMID: 32528171)

Literature cited by the submitters: PubMed 32528171 (cited by Labcorp Genetics (formerly Invitae), Labcorp).

NM_001005361.3(DNM2):c.1373G>A (p.Arg458Gln)

Gene: DNM2 (dynamin 2; plus strand). Cytogenetic location: 19p13.2.
Variant type: single nucleotide variant.
Coding change: c.1373G>A on transcript NM_001005361.3 (MANE Select); coding-DNA position 1373, G replaced by A.
Protein change: p.Arg458Gln; replaces arginine 458 with glutamine.
Molecular consequence: missense variant.
Genome position (GRCh38, 1-based): chr19:10,798,523, G>A. VCF-style: chr19-10798523-G-A. GRCh37 (hg19) VCF-style: chr19-10909199-G-A.
Other names: c.1373G>A, p.Arg458Gln (NM_001005360.3, NM_001005362.3, NM_001190716.2 and 1 more transcripts); short protein forms R458Q.
Identifiers: ClinVar variation 834460 (VCV000834460.11), dbSNP rs375653221, ClinGen allele CA305283327.